The following is an entry in ClinVar:

ClinVar aggregate classification (germline): Uncertain significance. Review status: criteria provided, multiple submitters, no conflicts (2 of 4 stars). 2 submissions from 2 submitters: Uncertain significance (2). Last evaluated 2024-09-12.

Conditions:
3-methylglutaconic aciduria, type VIIB (MGCA7B). Also called: CLPB Deficiency; 3-methylglutaconic aciduria with cataracts, neurologic involvement and neutropenia; 3-methylglutaconic aciduria, type VII, with cataracts, neurologic involvement and neutropenia. Identifiers: Orphanet 445038, MedGen C5676893, MONDO:0014561, OMIM 616271.
Inborn genetic diseases. Identifiers: MedGen C0950123, MeSH D030342.

Allele frequency attached by ClinVar (database versions not stated): gnomAD exomes below 0.00001; ExAC 0.00001.
gnomAD v4.1: 6 of 1,613,050 alleles (0.00037%); highest among the groups gnomAD compares: East Asian, 0.0022%; no homozygotes.

Submissions (2):

Labcorp Genetics (formerly Invitae), Labcorp
Classification: Uncertain significance for 3-methylglutaconic aciduria, type VIIB. Last evaluated: 2024-09-12. Review status: criteria provided, single submitter. Criteria: Invitae Variant Classification Sherloc (09022015). Collection method: clinical testing. Allele origin: germline.
Comment: This sequence change replaces asparagine, which is neutral and polar, with serine, which is neutral and polar, at codon 291 of the CLPB protein (p.Asn291Ser). This variant is present in population databases (rs778324114, gnomAD 0.01%). This variant has not been reported in the literature in individuals affected with CLPB-related conditions. An algorithm developed to predict the effect of missense changes on protein structure and function outputs the following: PolyPhen-2: "Benign". The serine amino acid residue is found in multiple mammalian species, which suggests that this missense change does not adversely affect protein function. In summary, the available evidence is currently insufficient to determine the role of this variant in disease. Therefore, it has been classified as a Variant of Uncertain Significance.

Ambry Genetics
Classification: Uncertain significance for Inborn genetic diseases. Last evaluated: 2023-10-10. Review status: criteria provided, single submitter. Criteria: Ambry Variant Classification Scheme 2023. Collection method: clinical testing. Allele origin: germline.

NM_001258392.3(CLPB):c.782A>G (p.Asn261Ser)

Gene: CLPB (ClpB family mitochondrial disaggregase; minus strand). Cytogenetic location: 11q13.4.
Variant type: single nucleotide variant.
Coding change: c.782A>G on transcript NM_001258392.3 (MANE Select); coding-DNA position 782, A replaced by G.
Protein change: p.Asn261Ser; replaces asparagine 261 with serine.
Molecular consequence: missense variant.
Genome position (GRCh38, 1-based): chr11:72,329,798, T>C on the plus strand (A>G on the coding strand, the complement: CLPB is on the minus strand). VCF-style: chr11-72329798-T-C. GRCh37 (hg19) VCF-style: chr11-72040842-T-C.
Other names: c.737A>G, p.Asn246Ser (NM_001258394.3); c.872A>G, p.Asn291Ser (NM_030813.6); c.695A>G, p.Asn232Ser (NM_001258393.3); short protein forms N232S, N291S, N246S, N261S.
Identifiers: ClinVar variation 3145954 (VCV003145954.3), dbSNP rs778324114, ClinGen allele CA6171376.
Genomic context (GRCh38, chr11:72,329,798, plus strand): 5'-ACTTCCCCTTCTCGGGCATAATCCAAGGGTGTGTGTCCCATTTCATTCCTCTGCAGGGGG[T>C]TGGCTCCTGGCAAGAGAAGAAGGATAAACAGAGGCTCTATGAACGATCAGTGGGACCTCA-3'
Protein context (NP_001245321.1, residues 251-271): TVKELLDGGA[Asn261Ser]PLQRNEMGHT